The following is an entry in ClinVar:

NM_013275.6(ANKRD11):c.1772C>T (p.Pro591Leu)

Gene: ANKRD11 (ankyrin repeat domain 11; minus strand). Cytogenetic location: 16q24.3.
Variant type: single nucleotide variant.
Coding change: c.1772C>T on transcript NM_013275.6 (MANE Select); coding-DNA position 1772, C replaced by T.
Protein change: p.Pro591Leu; replaces proline 591 with leucine.
Molecular consequence: missense variant.
Genome position (GRCh38, 1-based): chr16:89,284,770, G>A on the plus strand (C>T on the coding strand, the complement: ANKRD11 is on the minus strand). VCF-style: chr16-89284770-G-A. GRCh37 (hg19) VCF-style: chr16-89351178-G-A.
Other names: c.1772C>T (NM_013275.5); c.1772C>T, p.Pro591Leu (NM_001256182.2, NM_001256183.2); short protein forms P591L.
Identifiers: ClinVar variation 1427450 (VCV001427450.6), dbSNP rs2034526553, ClinGen allele CA397164015.

ClinVar aggregate classification (germline): Uncertain significance. Review status: criteria provided, multiple submitters, no conflicts (2 of 4 stars). 2 submissions from 2 submitters: Uncertain significance (2). Last evaluated 2022-12-22.

Conditions:
ANKRD11-related disorder. Also called: ANKRD11-related condition.
KBG syndrome (KBGS). Also called: ANKRD11-Related KBG Syndrome. Identifiers: Orphanet 2332, MedGen C0220687, MONDO:0007846, OMIM 148050.

Allele frequency attached by ClinVar (database versions not stated): TOPMed below 0.00001; gnomAD 0.00001.
gnomAD v4.1: 1 of 1,613,406 alleles (0.000062%); highest among the groups gnomAD compares: Non-Finnish European, 0.000085%; no homozygotes.

Submissions (2):

PreventionGenetics, part of Exact Sciences
Classification: Uncertain significance for ANKRD11-related condition. Last evaluated: 2022-12-22. Review status: criteria provided, single submitter. Criteria: ACMG Guidelines, 2015. Collection method: clinical testing. Allele origin: germline.
Comment: The ANKRD11 c.1772C>T variant is predicted to result in the amino acid substitution p.Pro591Leu. To our knowledge, this variant has not been reported in the literature or in a large population database, indicating this variant is rare. At this time, the clinical significance of this variant is uncertain due to the absence of conclusive functional and genetic evidence.

Labcorp Genetics (formerly Invitae), Labcorp
Classification: Uncertain significance for KBG syndrome. Last evaluated: 2022-06-05. Review status: criteria provided, single submitter. Criteria: Invitae Variant Classification Sherloc (09022015). Collection method: clinical testing. Allele origin: germline.
Comment: In summary, the available evidence is currently insufficient to determine the role of this variant in disease. Therefore, it has been classified as a Variant of Uncertain Significance. Advanced modeling of protein sequence and biophysical properties (such as structural, functional, and spatial information, amino acid conservation, physicochemical variation, residue mobility, and thermodynamic stability) performed at Invitae indicates that this missense variant is not expected to disrupt ANKRD11 protein function. ClinVar contains an entry for this variant (Variation ID: 1427450). This variant has not been reported in the literature in individuals affected with ANKRD11-related conditions. This variant is not present in population databases (gnomAD no frequency). This sequence change replaces proline, which is neutral and non-polar, with leucine, which is neutral and non-polar, at codon 591 of the ANKRD11 protein (p.Pro591Leu).